The following is an entry in ClinVar:

NM_198282.4(STING1):c.1127C>G (p.Thr376Arg)

Gene: STING1 (stimulator of interferon response cGAMP interactor 1; minus strand). Cytogenetic location: 5q31.2.
Variant type: single nucleotide variant.
Coding change: c.1127C>G on transcript NM_198282.4 (MANE Select); coding-DNA position 1127, C replaced by G.
Protein change: p.Thr376Arg; replaces threonine 376 with arginine.
Molecular consequence: missense variant. On other transcripts: 3 prime UTR variant (1).
Genome position (GRCh38, 1-based): chr5:139,476,274, G>C on the plus strand (C>G on the coding strand, the complement: STING1 is on the minus strand). VCF-style: chr5-139476274-G-C. GRCh37 (hg19) VCF-style: chr5-138855859-G-C.
Other names: c.1127C>G (NM_198282.2); c.1127C>G, p.Thr376Arg (LRG_1308t1); c.*88C>G (NM_001301738.2); c.770C>G, p.Thr257Arg (NM_001367258.1); short protein forms T376R, T257R.
Identifiers: ClinVar variation 565663 (VCV000565663.10), dbSNP rs370381358, ClinGen allele CA128747799.

ClinVar aggregate classification (germline): Uncertain significance. Review status: criteria provided, multiple submitters, no conflicts (2 of 4 stars). 2 submissions from 2 submitters: Uncertain significance (2). Last evaluated 2025-11-08.

Conditions:
STING-associated vasculopathy with onset in infancy. Also called: Sting-associated vasculopathy, infantile-onset. Identifiers: Orphanet 425120, MedGen C4014722, MONDO:0014405, OMIM 615934.
Inborn genetic diseases. Identifiers: MedGen C0950123, MeSH D030342.

Allele frequency attached by ClinVar (database versions not stated): TOPMed 0.00001.

Submissions (2):

Labcorp Genetics (formerly Invitae), Labcorp
Classification: Uncertain significance for STING-associated vasculopathy with onset in infancy. Last evaluated: 2025-11-08. Review status: criteria provided, single submitter. Criteria: Invitae Variant Classification Sherloc (09022015). Collection method: clinical testing. Allele origin: germline.
Comment: This sequence change replaces threonine, which is neutral and polar, with arginine, which is basic and polar, at codon 376 of the TMEM173 protein (p.Thr376Arg). This variant is present in population databases (no rsID available, gnomAD 0.004%). This variant has not been reported in the literature in individuals affected with TMEM173-related conditions. ClinVar contains an entry for this variant (Variation ID: 565663). An algorithm developed to predict the effect of missense changes on protein structure and function (PolyPhen-2) suggests that this variant is likely to be disruptive. In summary, the available evidence is currently insufficient to determine the role of this variant in disease. Therefore, it has been classified as a Variant of Uncertain Significance.

Ambry Genetics
Classification: Uncertain significance for Inborn genetic diseases. Last evaluated: 2022-07-12. Review status: criteria provided, single submitter. Criteria: Ambry Variant Classification Scheme 2023. Collection method: clinical testing. Allele origin: germline.